The following is an entry in ClinVar:

ClinVar aggregate classification (germline): Uncertain significance (1 of 4 stars; one submission).

Submission:

GeneDx
Classification: Uncertain significance. Last evaluated: 2023-05-24. Review status: criteria provided, single submitter. Criteria: GeneDx Variant Classification Process June 2021. Collection method: clinical testing. Allele origin: germline. Affected: yes.
Comment: Not observed at significant frequency in large population cohorts (gnomAD); In silico analysis supports that this missense variant does not alter protein structure/function; Has not been previously published as pathogenic or benign to our knowledge

NM_001353345.2(SETD1B):c.1168G>T (p.Ala390Ser)

Gene: SETD1B (SET domain containing 1B, histone lysine methyltransferase; plus strand). Cytogenetic location: 12q24.31.
Variant type: single nucleotide variant.
Coding change: c.1168G>T on transcript NM_001353345.2 (MANE Select); coding-DNA position 1168, G replaced by T.
Protein change: p.Ala390Ser; replaces alanine 390 with serine.
Molecular consequence: missense variant.
Genome position (GRCh38, 1-based): chr12:121,810,113, G>T. VCF-style: chr12-121810113-G-T. GRCh37 (hg19) VCF-style: chr12-122248019-G-T.
Other names: short protein forms A390S.
Identifiers: ClinVar variation 3361997 (VCV003361997.1).